The following is an entry in ClinVar:

ClinVar aggregate classification (germline): Uncertain significance. Review status: criteria provided, multiple submitters, no conflicts (2 of 4 stars). 2 submissions from 2 submitters: Uncertain significance (2). Last evaluated 2025-07-30.

Conditions:
Hereditary cancer-predisposing syndrome. Also called: Neoplastic Syndromes, Hereditary; Hereditary Cancer Syndrome; Hereditary neoplastic syndrome; Tumor predisposition. Identifiers: Orphanet 140162, MedGen C0027672, MeSH D009386, MONDO:0015356.
Familial adenomatous polyposis 1 (FAP1). Also called: FAMILIAL ADENOMATOUS POLYPOSIS 1, ATTENUATED; POLYPOSIS, ADENOMATOUS INTESTINAL. Identifiers: MedGen C2713442, MONDO:0021056, OMIM 175100. Disease mechanism: loss of function.

Submissions (2):

Color Diagnostics, LLC DBA Color Health
Classification: Uncertain significance for Hereditary cancer-predisposing syndrome. Last evaluated: 2025-07-30. Review status: criteria provided, single submitter. Criteria: ACMG Guidelines, 2015. Collection method: clinical testing. Allele origin: germline.
Comment: This missense variant replaces proline with glutamine at codon 1634 of the APC protein. Computational prediction suggests that this variant may not impact protein structure and function. To our knowledge, functional studies have not been reported for this variant. This variant has not been reported in individuals affected with APC-related disorders in the literature. This variant has not been identified in the general population by the Genome Aggregation Database (gnomAD). The available evidence is insufficient to determine the role of this variant in disease conclusively. Therefore, this variant is classified as a Variant of Uncertain Significance.

Labcorp Genetics (formerly Invitae), Labcorp
Classification: Uncertain significance for Familial adenomatous polyposis 1. Last evaluated: 2023-03-07. Review status: criteria provided, single submitter. Criteria: Invitae Variant Classification Sherloc (09022015). Collection method: clinical testing. Allele origin: germline.
Comment: Advanced modeling of protein sequence and biophysical properties (such as structural, functional, and spatial information, amino acid conservation, physicochemical variation, residue mobility, and thermodynamic stability) performed at Invitae indicates that this missense variant is not expected to disrupt APC protein function. In summary, the available evidence is currently insufficient to determine the role of this variant in disease. Therefore, it has been classified as a Variant of Uncertain Significance. This variant has not been reported in the literature in individuals affected with APC-related conditions. This sequence change replaces proline, which is neutral and non-polar, with glutamine, which is neutral and polar, at codon 1634 of the APC protein (p.Pro1634Gln). This variant is not present in population databases (gnomAD no frequency).

NM_000038.6(APC):c.4901C>A (p.Pro1634Gln)

Gene: APC (APC regulator of Wnt signaling pathway; plus strand). Cytogenetic location: 5q22.2.
Variant type: single nucleotide variant.
Coding change: c.4901C>A on transcript NM_000038.6 (MANE Select); coding-DNA position 4901, C replaced by A.
Protein change: p.Pro1634Gln; replaces proline 1634 with glutamine.
Molecular consequence: missense variant. On other transcripts: non-coding transcript variant (2).
Genome position (GRCh38, 1-based): chr5:112,840,495, C>A. VCF-style: chr5-112840495-C-A. GRCh37 (hg19) VCF-style: chr5-112176192-C-A.
Other names: c.4901C>A, p.Pro1634Gln (NM_001127510.3, NM_001354895.2, NM_001407450.1); c.4847C>A, p.Pro1616Gln (NM_001127511.3); c.4955C>A, p.Pro1652Gln (NM_001354896.2, NM_001407447.1, NM_001407448.1 and 1 more transcripts); c.4931C>A, p.Pro1644Gln (NM_001354897.2); c.4826C>A, p.Pro1609Gln (NM_001354898.2); c.4817C>A, p.Pro1606Gln (NM_001354899.2); c.4778C>A, p.Pro1593Gln (NM_001354900.2); c.4724C>A, p.Pro1575Gln (NM_001354901.2, NM_001407453.1); and 11 more; short protein forms P1250Q, P1644Q, P1662Q, P1474Q, P1505Q, P1543Q, P1575Q, P1616Q.
Identifiers: ClinVar variation 2843320 (VCV002843320.4), dbSNP rs370433763, ClinGen allele CA16032071.